The following is an entry in ClinVar:

NM_022051.3(EGLN1):c.227G>T (p.Gly76Val)

Gene: EGLN1 (egl-9 family hypoxia inducible factor 1; minus strand). Cytogenetic location: 1q42.2.
Variant type: single nucleotide variant.
Coding change: c.227G>T on transcript NM_022051.3 (MANE Select); coding-DNA position 227, G replaced by T.
Protein change: p.Gly76Val; replaces glycine 76 with valine.
Molecular consequence: missense variant.
Genome position (GRCh38, 1-based): chr1:231,421,662, C>A on the plus strand (G>T on the coding strand, the complement: EGLN1 is on the minus strand). VCF-style: chr1-231421662-C-A. GRCh37 (hg19) VCF-style: chr1-231557408-C-A.
Other names: c.227G>T, p.Gly76Val (NM_001377260.1, NM_001377261.1); c.227G>T (NM_022051.2); short protein forms G76V.
Identifiers: ClinVar variation 2413837 (VCV002413837.7), dbSNP rs367712964, ClinGen allele CA38948977.

ClinVar aggregate classification (germline): Conflicting classifications of pathogenicity. Review status: criteria provided, conflicting classifications (1 of 4 stars). 2 submissions from 2 submitters: Uncertain significance (1); Likely benign (1). Last evaluated 2026-06-17.

Conditions:
Erythrocytosis, familial, 3 (ECYT3). Identifiers: Orphanet 247511, MedGen C1853286, MONDO:0012353, OMIM 609820.

Allele frequency attached by ClinVar (database versions not stated): gnomAD exomes below 0.00001; ESP Exome Variant Server 0.00009.
gnomAD v4.1: 1 of 1,466,276 alleles (0.000068%); highest among the groups gnomAD compares: Non-Finnish European, 0.00009%; no homozygotes.

Submissions (2):

Ambry Genetics
Classification: Likely benign. Last evaluated: 2026-06-17. Review status: criteria provided, single submitter. Criteria: Ambry Variant Classification Scheme 2023. Collection method: clinical testing. Allele origin: germline.

Labcorp Genetics (formerly Invitae), Labcorp
Classification: Uncertain significance for Erythrocytosis, familial, 3. Last evaluated: 2022-08-03. Review status: criteria provided, single submitter. Criteria: Invitae Variant Classification Sherloc (09022015). Collection method: clinical testing. Allele origin: germline.
Comment: This variant has not been reported in the literature in individuals affected with EGLN1-related conditions. Algorithms developed to predict the effect of missense changes on protein structure and function are either unavailable or do not agree on the potential impact of this missense change (SIFT: "Tolerated"; PolyPhen-2: "Probably Damaging"; Align-GVGD: "Class C0"). In summary, the available evidence is currently insufficient to determine the role of this variant in disease. Therefore, it has been classified as a Variant of Uncertain Significance. This variant is not present in population databases (gnomAD no frequency). This sequence change replaces glycine, which is neutral and non-polar, with valine, which is neutral and non-polar, at codon 76 of the EGLN1 protein (p.Gly76Val).